The following is an entry in ClinVar:

ClinVar aggregate classification (germline): Uncertain significance (1 of 4 stars; one submission).

Conditions:
Cardiovascular phenotype. Identifiers: MedGen CN230736.

Submission:

Ambry Genetics
Classification: Uncertain significance for Cardiovascular phenotype. Last evaluated: 2026-01-09. Review status: criteria provided, single submitter. Criteria: Ambry Variant Classification Scheme 2023. Collection method: clinical testing. Allele origin: germline.
Comment: The c.2023-1177_2051del1206 gross deletion includes at least a portion of coding exon 15 in the VCL gene. This alteration is expected to result in an abnormal transcript, a translational frameshift leading to premature truncation, or nonsense-mediated mRNA decay. However, loss of function of VCL has not been clearly established as a mechanism of disease. Based on the available evidence, the clinical significance of this variant remains unclear.

NM_014000.3(VCL):c.2023-1177_2051del

Gene: VCL (vinculin; plus strand). Cytogenetic location: 10q22.2.
Variant type: Deletion.
Coding change: c.2023-1177_2051del on transcript NM_014000.3 (MANE Select); 1177 bases into the intron before coding-DNA position 2023 through coding-DNA position 2051, 1,206 bases deleted.
Molecular consequence: splice acceptor variant.
Genome position (GRCh38, 1-based): chr10:74,102,643-74,103,848, 1,206 bases deleted. GRCh37 (hg19): chr10:75,862,401-75,863,606.
Other names: c.2023-1177_2051del (NM_003373.4).
Identifiers: ClinVar variation 1784596 (VCV001784596.3), ClinGen allele CA2580082053.